The following is an entry in ClinVar:

ClinVar aggregate classification (germline): Uncertain significance (1 of 4 stars; one submission).

Submission:

GeneDx
Classification: Uncertain significance. Last evaluated: 2024-11-25. Review status: criteria provided, single submitter. Criteria: GeneDx Variant Classification Process June 2021. Collection method: clinical testing. Allele origin: germline. Affected: yes.
Comment: Not observed at significant frequency in large population cohorts (gnomAD); In silico analysis indicates that this missense variant does not alter protein structure/function; Has not been previously published as pathogenic or benign to our knowledge

NM_004984.4(KIF5A):c.1309C>G (p.Gln437Glu)

Gene: KIF5A (kinesin family member 5A; plus strand). Cytogenetic location: 12q13.3.
Variant type: single nucleotide variant.
Coding change: c.1309C>G on transcript NM_004984.4 (MANE Select); coding-DNA position 1309, C replaced by G.
Protein change: p.Gln437Glu; replaces glutamine 437 with glutamic acid.
Molecular consequence: missense variant.
Genome position (GRCh38, 1-based): chr12:57,571,336, C>G. VCF-style: chr12-57571336-C-G. GRCh37 (hg19) VCF-style: chr12-57965119-C-G.
Other names: c.1042C>G, p.Gln348Glu (NM_001354705.2); short protein forms Q348E, Q437E.
Identifiers: ClinVar variation 3900093 (VCV003900093.1).